The following is an entry in ClinVar:

ClinVar aggregate classification (germline): Uncertain significance. Review status: criteria provided, multiple submitters, no conflicts (2 of 4 stars). 5 submissions from 5 submitters: Uncertain significance (4). 1 of the submissions does not count toward it. Last evaluated 2022-11-10.

Conditions:
Retinitis pigmentosa 25 (RP25). Identifiers: Orphanet 791, MedGen C1864446, MONDO:0011272, OMIM 602772.
Inborn genetic diseases. Identifiers: MedGen C0950123, MeSH D030342.

Allele frequency attached by ClinVar (database versions not stated): gnomAD 0.00001 and 0.00002; gnomAD exomes 0.00001; TOPMed 0.00001; ExAC 0.00005; 1000 Genomes Project 30x 0.00016; 1000 Genomes Project 0.00020.
gnomAD v4.1: 14 of 1,551,612 alleles (0.0009%); highest among the groups gnomAD compares: Middle Eastern, 0.017%; no homozygotes.

Submissions (5):

Blueprint Genetics
Classification: Uncertain significance. Last evaluated: 2022-11-10. Review status: criteria provided, single submitter. Criteria: ACMG Guidelines, 2015. Collection method: clinical testing. Allele origin: germline.

Labcorp Genetics (formerly Invitae), Labcorp
Classification: Uncertain significance. Last evaluated: 2022-10-24. Review status: criteria provided, single submitter. Criteria: Invitae Variant Classification Sherloc (09022015). Collection method: clinical testing. Allele origin: germline.
Comment: This sequence change replaces asparagine, which is neutral and polar, with lysine, which is basic and polar, at codon 2452 of the EYS protein (p.Asn2452Lys). The frequency data for this variant in the population databases is considered unreliable, as metrics indicate poor data quality at this position in the gnomAD database. This variant has not been reported in the literature in individuals affected with EYS-related conditions. ClinVar contains an entry for this variant (Variation ID: 624251). Algorithms developed to predict the effect of missense changes on protein structure and function (SIFT, PolyPhen-2, Align-GVGD) all suggest that this variant is likely to be disruptive. In summary, the available evidence is currently insufficient to determine the role of this variant in disease. Therefore, it has been classified as a Variant of Uncertain Significance.

Ambry Genetics
Classification: Uncertain significance for Inborn genetic diseases. Last evaluated: 2021-08-30. Review status: criteria provided, single submitter. Criteria: Ambry Variant Classification Scheme 2023. Collection method: clinical testing. Allele origin: germline.

CeGaT Center for Human Genetics Tuebingen
Classification: Uncertain significance. Last evaluated: 2018-06-01. Review status: criteria provided, single submitter. Criteria: CeGaT Center For Human Genetics Tuebingen Variant Classification Criteria Version 2. Collection method: clinical testing. Allele origin: germline. Affected: yes. Observed: 1 variant allele.

Natera, Inc.
Classification: Uncertain significance for Retinitis pigmentosa type 25. Last evaluated: 2020-09-10. Review status: no assertion criteria provided. Collection method: clinical testing. Allele origin: germline. Not counted in ClinVar's aggregate classification.

NM_001142800.2(EYS):c.7356C>A (p.Asn2452Lys)

Gene: EYS (EGF-like photoreceptor maintenance factor; minus strand). Cytogenetic location: 6q12.
Variant type: single nucleotide variant.
Coding change: c.7356C>A on transcript NM_001142800.2 (MANE Select); coding-DNA position 7356, C replaced by A.
Protein change: p.Asn2452Lys; replaces asparagine 2452 with lysine.
Molecular consequence: missense variant.
Genome position (GRCh38, 1-based): chr6:63,806,245, G>T on the plus strand (C>A on the coding strand, the complement: EYS is on the minus strand). VCF-style: chr6-63806245-G-T. GRCh37 (hg19) VCF-style: chr6-64516138-G-T.
Other names: c.7356C>A, p.Asn2452Lys (NM_001292009.2); c.7356C>A (NM_001142800.1); short protein forms N2452K.
Identifiers: ClinVar variation 624251 (VCV000624251.49), dbSNP rs566843175, ClinGen allele CA3876823.